The following is an entry in ClinVar:

NM_000179.3(MSH6):c.1504A>G (p.Ile502Val)

Gene: MSH6 (mutS homolog 6; plus strand). Cytogenetic location: 2p16.3.
Variant type: single nucleotide variant.
Coding change: c.1504A>G on transcript NM_000179.3 (MANE Select); coding-DNA position 1504, A replaced by G.
Protein change: p.Ile502Val; replaces isoleucine 502 with valine.
Molecular consequence: missense variant. On other transcripts: non-coding transcript variant (4), intron variant (1).
Genome position (GRCh38, 1-based): chr2:47,799,487, A>G. VCF-style: chr2-47799487-A-G. GRCh37 (hg19) VCF-style: chr2-48026626-A-G.
Other names: c.1114A>G, p.Ile372Val (NM_001281492.2); c.598A>G, p.Ile200Val (NM_001281493.2, NM_001281494.2, NM_001406811.1 and 6 more transcripts); c.1600A>G, p.Ile534Val (NM_001406795.1, NM_001406802.1); c.1504A>G, p.Ile502Val (NM_001406796.1, NM_001406798.1, NM_001406800.1 and 4 more transcripts); c.1207A>G, p.Ile403Val (NM_001406797.1, NM_001406801.1, NM_001406805.1 and 10 more transcripts); c.979A>G, p.Ile327Val (NM_001406799.1, NM_001406806.1, NM_001406807.1); c.1426A>G, p.Ile476Val (NM_001406804.1); c.1510A>G, p.Ile504Val (NM_001406813.1); and 2 more; short protein forms I403V, I476V, I200V, I372V, I534V, I327V, I446V, I502V.
Identifiers: ClinVar variation 2752180 (VCV002752180.4), dbSNP rs2104348217, ClinGen allele CA346746226.

ClinVar aggregate classification (germline): Uncertain significance. Review status: criteria provided, multiple submitters, no conflicts (2 of 4 stars). 2 submissions from 2 submitters: Uncertain significance (2). Last evaluated 2025-07-24.

Conditions:
Hereditary nonpolyposis colorectal neoplasms. Identifiers: MedGen C0009405, MeSH D003123.
Hereditary cancer-predisposing syndrome. Also called: Neoplastic Syndromes, Hereditary; Hereditary Cancer Syndrome; Tumor predisposition; Hereditary neoplastic syndrome. Identifiers: Orphanet 140162, MedGen C0027672, MeSH D009386, MONDO:0015356.

Allele frequency attached by ClinVar (database versions not stated): gnomAD exomes below 0.00001.
gnomAD v4.1: 1 of 1,614,184 alleles (0.000062%); highest among the groups gnomAD compares: Non-Finnish European, 0.000085%; no homozygotes.

Submissions (2):

Ambry Genetics
Classification: Uncertain significance for Hereditary cancer-predisposing syndrome. Last evaluated: 2025-07-24. Review status: criteria provided, single submitter. Criteria: Ambry Variant Classification Scheme 2023. Collection method: clinical testing. Allele origin: germline.
Comment: The p.I502V variant (also known as c.1504A>G), located in coding exon 4 of the MSH6 gene, results from an A to G substitution at nucleotide position 1504. The isoleucine at codon 502 is replaced by valine, an amino acid with highly similar properties. This amino acid position is conserved. In addition, this alteration is predicted to be tolerated by in silico analysis. Based on the available evidence, the clinical significance of this variant remains unclear.

Labcorp Genetics (formerly Invitae), Labcorp
Classification: Uncertain significance for Hereditary nonpolyposis colorectal neoplasms. Last evaluated: 2025-07-06. Review status: criteria provided, single submitter. Criteria: Invitae Variant Classification Sherloc (09022015). Collection method: clinical testing. Allele origin: germline.
Comment: This sequence change replaces isoleucine, which is neutral and non-polar, with valine, which is neutral and non-polar, at codon 502 of the MSH6 protein (p.Ile502Val). This variant is not present in population databases (gnomAD no frequency). This variant has not been reported in the literature in individuals affected with MSH6-related conditions. ClinVar contains an entry for this variant (Variation ID: 2752180). Invitae Evidence Modeling of protein sequence and biophysical properties (such as structural, functional, and spatial information, amino acid conservation, physicochemical variation, residue mobility, and thermodynamic stability) indicates that this missense variant is not expected to disrupt MSH6 protein function with a negative predictive value of 95%. In summary, the available evidence is currently insufficient to determine the role of this variant in disease. Therefore, it has been classified as a Variant of Uncertain Significance.